The following is an entry in ClinVar:

NM_199420.4(POLQ):c.3893A>G (p.Tyr1298Cys)

Gene: POLQ (DNA polymerase theta; minus strand). Cytogenetic location: 3q13.33.
Variant type: single nucleotide variant.
Coding change: c.3893A>G on transcript NM_199420.4 (MANE Select); coding-DNA position 3893, A replaced by G.
Protein change: p.Tyr1298Cys; replaces tyrosine 1298 with cysteine.
Molecular consequence: missense variant.
Genome position (GRCh38, 1-based): chr3:121,489,038, T>C on the plus strand (A>G on the coding strand, the complement: POLQ is on the minus strand). VCF-style: chr3-121489038-T-C. GRCh37 (hg19) VCF-style: chr3-121207885-T-C.
Other names: short protein forms Y1298C.
Identifiers: ClinVar variation 1735914 (VCV001735914.3), dbSNP rs1271767037, ClinGen allele CA354096702.

ClinVar aggregate classification (germline): Uncertain significance (1 of 4 stars; one submission).

Allele frequency attached by ClinVar (database versions not stated): gnomAD exomes below 0.00001; TOPMed 0.00001.
gnomAD v4.1: 6 of 1,613,362 alleles (0.00037%); highest among the groups gnomAD compares: Non-Finnish European, 0.00042%; 1 homozygote.

Submission:

Ambry Genetics
Classification: Uncertain significance. Last evaluated: 2024-05-04. Review status: criteria provided, single submitter. Criteria: Ambry Variant Classification Scheme 2023. Collection method: clinical testing. Allele origin: germline.
Comment: The p.Y1298C variant (also known as c.3893A>G), located in coding exon 16 of the POLQ gene, results from an A to G substitution at nucleotide position 3893. The tyrosine at codon 1298 is replaced by cysteine, an amino acid with highly dissimilar properties. This amino acid position is conserved. In addition, this alteration is predicted to be tolerated by in silico analysis. Since supporting evidence is limited at this time, the clinical significance of this alteration remains unclear.